The following is an entry in ClinVar:

ClinVar aggregate classification (germline): Likely benign. Review status: criteria provided, single submitter (1 of 4 stars). 2 submissions from 2 submitters: Likely benign (1). 1 of the submissions does not count toward it. Last evaluated 2025-07-30.

Conditions:
DNAH5-related disorder. Also called: DNAH5-related condition.
Primary ciliary dyskinesia. Also called: Ciliary dyskinesia. Identifiers: Orphanet 244, MedGen C0008780, MONDO:0016575, HP:0012265.

Allele frequency attached by ClinVar (database versions not stated): ExAC 0.00005; gnomAD exomes 0.00007 and 0.00014; gnomAD 0.00014; ESP Exome Variant Server 0.00015.
gnomAD v4.1: 226 of 1,613,686 alleles (0.014%); highest among the groups gnomAD compares: Non-Finnish European, 0.018%; no homozygotes.

Submissions (2):

Labcorp Genetics (formerly Invitae), Labcorp
Classification: Likely benign for Primary ciliary dyskinesia. Last evaluated: 2025-07-30. Review status: criteria provided, single submitter. Criteria: Invitae Variant Classification Sherloc (09022015). Collection method: clinical testing. Allele origin: germline.

PreventionGenetics, part of Exact Sciences
Classification: Likely benign for DNAH5-related condition. Last evaluated: 2019-05-03. Review status: no assertion criteria provided. Collection method: clinical testing. Allele origin: germline. Not counted in ClinVar's aggregate classification.
Comment: This variant is classified as likely benign based on ACMG/AMP sequence variant interpretation guidelines (Richards et al. 2015 PMID: 25741868, with internal and published modifications).

NM_001369.3(DNAH5):c.8871G>T (p.Val2957=)

Gene: DNAH5 (dynein axonemal heavy chain 5; minus strand). Cytogenetic location: 5p15.2.
Variant type: single nucleotide variant.
Coding change: c.8871G>T on transcript NM_001369.3 (MANE Select); coding-DNA position 8871, G replaced by T.
Protein change: p.Val2957=; no amino-acid change (valine 2957 retained).
Molecular consequence: synonymous variant.
Genome position (GRCh38, 1-based): chr5:13,780,909, C>A on the plus strand (G>T on the coding strand, the complement: DNAH5 is on the minus strand). VCF-style: chr5-13780909-C-A. GRCh37 (hg19) VCF-style: chr5-13781018-C-A.
Other names: c.8871G>T (NM_001369.2).
Identifiers: ClinVar variation 1080171 (VCV001080171.11), dbSNP rs374113855, ClinGen allele CA3202682.
Genomic context (GRCh38, chr5:13,780,909, plus strand): 5'-GGAAACGTAGCCAGCAATGAATGAAGCCAACCTCGTCAGGCTCTGCTTTCCTGATCCGCC[C>A]ACCCCGACCAGGAGGGCATTTCCCTGAGGAGTACGAATGACACGAGAGATCTGTAATATG-3'
Protein context (NP_001360.1, residues 2947-2967): TPQGNALLVG[Val2957=]GGSGKQSLTR